The following is an entry in ClinVar:

NM_005751.5(AKAP9):c.3101C>T (p.Ser1034Leu)

Gene: AKAP9 (A-kinase anchoring protein 9; plus strand). Cytogenetic location: 7q21.2.
Variant type: single nucleotide variant.
Coding change: c.3101C>T on transcript NM_005751.5 (MANE Select); coding-DNA position 3101, C replaced by T.
Protein change: p.Ser1034Leu; replaces serine 1034 with leucine.
Molecular consequence: missense variant.
Genome position (GRCh38, 1-based): chr7:92,003,018, C>T. VCF-style: chr7-92003018-C-T. GRCh37 (hg19) VCF-style: chr7-91632332-C-T.
Other names: c.3101C>T, p.Ser1034Leu (NM_147185.3); short protein forms S1034L.
Identifiers: ClinVar variation 1727649 (VCV001727649.6), dbSNP rs1241305439, ClinGen allele CA368125638.

ClinVar aggregate classification (germline): Uncertain significance. Review status: criteria provided, multiple submitters, no conflicts (2 of 4 stars). 2 submissions from 2 submitters: Uncertain significance (2). Last evaluated 2025-09-25.

Conditions:
Long QT syndrome (LQTS). Identifiers: MedGen C0023976, MeSH D008133, MONDO:0002442. Disease mechanism: loss of function. Inheritance: Various modes of inheritance.
Cardiovascular phenotype. Identifiers: MedGen CN230736.

Allele frequency attached by ClinVar (database versions not stated): gnomAD 0.00001; TOPMed 0.00001.
gnomAD v4.1: 5 of 1,613,266 alleles (0.00031%); highest among the groups gnomAD compares: Non-Finnish European, 0.00042%; no homozygotes.

Submissions (2):

Ambry Genetics
Classification: Uncertain significance for Cardiovascular phenotype. Last evaluated: 2025-09-25. Review status: criteria provided, single submitter. Criteria: Ambry Variant Classification Scheme 2023. Collection method: clinical testing. Allele origin: germline.
Comment: The p.S1034L variant (also known as c.3101C>T), located in coding exon 8 of the AKAP9 gene, results from a C to T substitution at nucleotide position 3101. The serine at codon 1034 is replaced by leucine, an amino acid with dissimilar properties. This amino acid position is not well conserved in available vertebrate species, and leucine is the reference amino acid in other vertebrate species. In addition, this alteration is predicted to be tolerated by in silico analysis. Since supporting evidence is limited at this time, the clinical significance of this alteration remains unclear.

Labcorp Genetics (formerly Invitae), Labcorp
Classification: Uncertain significance for Long QT syndrome. Last evaluated: 2024-10-15. Review status: criteria provided, single submitter. Criteria: Invitae Variant Classification Sherloc (09022015). Collection method: clinical testing. Allele origin: germline.
Comment: This sequence change replaces serine, which is neutral and polar, with leucine, which is neutral and non-polar, at codon 1034 of the AKAP9 protein (p.Ser1034Leu). This variant is not present in population databases (gnomAD no frequency). This variant has not been reported in the literature in individuals affected with AKAP9-related conditions. ClinVar contains an entry for this variant (Variation ID: 1727649). An algorithm developed to predict the effect of missense changes on protein structure and function outputs the following: PolyPhen-2: "Benign". The leucine amino acid residue is found in multiple mammalian species, which suggests that this missense change does not adversely affect protein function. In summary, the available evidence is currently insufficient to determine the role of this variant in disease. Therefore, it has been classified as a Variant of Uncertain Significance.